The following is an entry in ClinVar:

NM_058195.4(CDKN2A):c.94G>A (p.Gly32Arg)

Gene: CDKN2A (cyclin dependent kinase inhibitor 2A; minus strand). Cytogenetic location: 9p21.3.
Variant type: single nucleotide variant.
Coding change: c.94G>A on transcript NM_058195.4 (MANE Plus Clinical); coding-DNA position 94, G replaced by A.
Protein change: p.Gly32Arg; replaces glycine 32 with arginine.
Molecular consequence: missense variant. On other transcripts: intron variant (1).
Genome position (GRCh38, 1-based): chr9:21,994,238, C>T on the plus strand (G>A on the coding strand, the complement: CDKN2A is on the minus strand). VCF-style: chr9-21994238-C-T. GRCh37 (hg19) VCF-style: chr9-21994237-C-T.
Other names: c.-4+583G>A (NM_001363763.2); short protein forms G32R.
Identifiers: ClinVar variation 246004 (VCV000246004.13), dbSNP rs879254043, ClinGen allele CA10584303.

ClinVar aggregate classification (germline): Uncertain significance. Review status: criteria provided, multiple submitters, no conflicts (2 of 4 stars). 5 submissions from 5 submitters: Uncertain significance (5). Last evaluated 2024-12-11.

Conditions:
Familial melanoma. Also called: Hereditary melanoma; Hereditary cutaneous melanoma. Identifiers: Orphanet 618, MedGen C1512419, MONDO:0018961.
Melanoma-pancreatic cancer syndrome. Identifiers: Orphanet 404560, MedGen C1838547, MONDO:0011713, OMIM 606719. Disease mechanism: loss of function.
Melanoma, cutaneous malignant, susceptibility to, 2 (CMM2). Also called: Cutaneous malignant melanoma 2; CDKN2A-Related Cutaneous Malignant Melanoma. Identifiers: Orphanet 618, MedGen C1835044, MONDO:0007964, OMIM 155601.
Melanoma and neural system tumor syndrome. Also called: MELANOMA-ASTROCYTOMA SYNDROME. Identifiers: Orphanet 252206, MedGen C1835042, MONDO:0007967, OMIM 155755.
Hereditary cancer-predisposing syndrome. Also called: Neoplastic Syndromes, Hereditary; Hereditary neoplastic syndrome; Tumor predisposition; Hereditary Cancer Syndrome. Identifiers: Orphanet 140162, MedGen C0027672, MeSH D009386, MONDO:0015356.

Allele frequency attached by ClinVar (database versions not stated): gnomAD 0.00006 and 0.00005; gnomAD exomes 0.00001 and below 0.00001; TOPMed 0.00001.
gnomAD v4.1: 20 of 1,606,336 alleles (0.0012%); highest among the groups gnomAD compares: Non-Finnish European, 0.0016%; no homozygotes.

Submissions (5):

Ambry Genetics
Classification: Uncertain significance for Hereditary cancer-predisposing syndrome. Last evaluated: 2024-12-11. Review status: criteria provided, single submitter. Criteria: Ambry Variant Classification Scheme 2023. Collection method: clinical testing. Allele origin: germline.
Comment: The p.G32R variant (also known as c.94G>A), located in coding exon 1 of the CDKN2A (p14ARF) gene, results from a G to A substitution at nucleotide position 94. The glycine at codon 32 is replaced by arginine, an amino acid with dissimilar properties. This variant was identified in at least one Spanish individual with multiple melanomas (Potrony M et al. JAMA Dermatol, 2016 Apr;152:405-12; Potrony M et al. J. Am. Acad. Dermatol., 2014 Nov;71:888-9; Puig S et al. Genet. Med., 2016 07;18:727-36). In addition, the individual identified in Potrony et al. (2016) with CDKN2A p.G32R also carried the p.E318K alteration in MITF. Based on data from gnomAD, the frequency for this variant is above the maximum credible frequency for a disease-causing variant in this gene based on internally established thresholds (Karczewski et al. Nature. 2020 May;581(7809):434-443; Whiffin et al. Genet Med. 2017 10;19:1151-1158). This amino acid position is not well conserved in available vertebrate species, and arginine is the reference amino acid in other vertebrate species. In addition, this alteration is predicted to be tolerated by in silico analysis. Since supporting evidence is conflicting at this time, the clinical significance of this alteration remains unclear.

Baylor Genetics
Classification: Uncertain significance for Melanoma and neural system tumor syndrome. Last evaluated: 2024-02-25. Review status: criteria provided, single submitter. Criteria: ACMG Guidelines, 2015. Collection method: clinical testing. Allele origin: unknown.

Fulgent Genetics
Classification: Uncertain significance for Melanoma, cutaneous malignant, susceptibility to, 2; Melanoma and neural system tumor syndrome; Melanoma-pancreatic cancer syndrome. Last evaluated: 2024-01-19. Review status: criteria provided, single submitter. Criteria: ACMG Guidelines, 2015. Collection method: clinical testing. Allele origin: germline.

Labcorp Genetics (formerly Invitae), Labcorp
Classification: Uncertain significance for Familial melanoma. Last evaluated: 2021-11-08. Review status: criteria provided, single submitter. Criteria: Invitae Variant Classification Sherloc (09022015). Collection method: clinical testing. Allele origin: germline.
Comment: This sequence change replaces glycine, which is neutral and non-polar, with arginine, which is basic and polar, at codon 32 of the CDKN2A (p14ARF) protein (p.Gly32Arg). This variant is present in population databases (no rsID available, gnomAD 0.009%). This missense change has been observed in individual(s) with sporadic multiple primary melanomas (PMID: 25064638, 26650189). ClinVar contains an entry for this variant (Variation ID: 246004). Algorithms developed to predict the effect of missense changes on protein structure and function (SIFT, PolyPhen-2, Align-GVGD) all suggest that this variant is likely to be tolerated. In summary, the available evidence is currently insufficient to determine the role of this variant in disease. Therefore, it has been classified as a Variant of Uncertain Significance.

GeneDx
Classification: Uncertain significance. Last evaluated: 2015-10-20. Review status: criteria provided, single submitter. Criteria: GeneDx Variant Classification (06012015). Collection method: clinical testing. Allele origin: germline. Affected: yes.
Comment: This variant is denoted CDKN2A c.94G>A at the cDNA level, p.Gly32Arg (G32R) at the protein level, and results in the change of a Glycine to an Arginine (GGG>AGG) of the p14-ARF protein. Of note, the CDKN2A gene encodes the p16 protein and, using an alternate reading frame, the p14-ARF protein as well. As these two proteins are encoded by different first exons, CDKN2A Gly32Arg will not affect the p16 protein. This variant has been observed in a family with multiple melanomas (Potrony 2014). CDKN2A Gly32Arg was not observed in approximately 6,300 individuals of European and African American ancestry in the NHLBI Exome Sequencing Project, indicating it is not a common benign variant in these populations. Since Glycine and Arginine differ in polarity, charge, size or other properties, this is considered a non-conservative amino acid substitution. CDKN2A Gly32Arg occurs at a position that is not conserved across species and is located in the region of interaction with CDK5RAP3 and MDM2 (UniProt). In silico analyses predict that this variant is unlikely to alter protein structure or function. Based on currently available information, it is unclear whether CDKN2A Gly32Arg is pathogenic or a benign variant.

Literature cited by the submitters: PubMed 25064638 (cited by Ambry Genetics and Labcorp Genetics (formerly Invitae), Labcorp); PubMed 26650189 (cited by Ambry Genetics and Labcorp Genetics (formerly Invitae), Labcorp); PubMed 26681309 (cited by Ambry Genetics).